The following is an entry in ClinVar:

NM_000245.4(MET):c.3475T>C (p.Tyr1159His)

Gene: MET (MET proto-oncogene, receptor tyrosine kinase; plus strand). Cytogenetic location: 7q31.2.
Variant type: single nucleotide variant.
Coding change: c.3475T>C on transcript NM_000245.4 (MANE Select); coding-DNA position 3475, T replaced by C.
Protein change: p.Tyr1159His; replaces tyrosine 1159 with histidine.
Molecular consequence: missense variant.
Genome position (GRCh38, 1-based): chr7:116,778,910, T>C. VCF-style: chr7-116778910-T-C. GRCh37 (hg19) VCF-style: chr7-116418964-T-C.
Other names: c.3529T>C (NM_001127500.1); c.3529T>C, p.Tyr1177His (NM_001127500.3); c.2185T>C, p.Tyr729His (NM_001324402.2); short protein forms Y729H, Y1159H, Y1177H.
Identifiers: ClinVar variation 1482516 (VCV001482516.10), dbSNP rs2117047603, ClinGen allele CA368990227.

ClinVar aggregate classification (germline): Uncertain significance. Review status: criteria provided, multiple submitters, no conflicts (2 of 4 stars). 2 submissions from 2 submitters: Uncertain significance (2). Last evaluated 2025-10-25.

Conditions:
Renal cell carcinoma. Identifiers: Orphanet 217071, MedGen C0007134, MeSH D002292, MONDO:0005086, HP:0005584.
Hereditary cancer-predisposing syndrome. Also called: Tumor predisposition; Hereditary Cancer Syndrome; Hereditary neoplastic syndrome; Neoplastic Syndromes, Hereditary. Identifiers: Orphanet 140162, MedGen C0027672, MeSH D009386, MONDO:0015356.

Allele frequency attached by ClinVar (database versions not stated): gnomAD exomes below 0.00001.
gnomAD v4.1: 2 of 1,613,994 alleles (0.00012%); highest among the groups gnomAD compares: Non-Finnish European, 0.00017%; no homozygotes.

Submissions (2):

Ambry Genetics
Classification: Uncertain significance for Hereditary cancer-predisposing syndrome. Last evaluated: 2025-10-25. Review status: criteria provided, single submitter. Criteria: Ambry Variant Classification Scheme 2023. Collection method: clinical testing. Allele origin: germline.
Comment: The p.Y1177H variant (also known as c.3529T>C), located in coding exon 16 of the MET gene, results from a T to C substitution at nucleotide position 3529. The tyrosine at codon 1177 is replaced by histidine, an amino acid with similar properties. This amino acid position is conserved. In addition, the in silico prediction for this alteration is inconclusive. Since supporting evidence is limited at this time, the clinical significance of this alteration remains unclear.

Labcorp Genetics (formerly Invitae), Labcorp
Classification: Uncertain significance for Renal cell carcinoma. Last evaluated: 2020-12-26. Review status: criteria provided, single submitter. Criteria: Invitae Variant Classification Sherloc (09022015). Collection method: clinical testing. Allele origin: germline.
Comment: This variant has not been reported in the literature in individuals with MET-related conditions. Algorithms developed to predict the effect of missense changes on protein structure and function (SIFT, PolyPhen-2, Align-GVGD) all suggest that this variant is likely to be disruptive, but these predictions have not been confirmed by published functional studies and their clinical significance is uncertain. In summary, the available evidence is currently insufficient to determine the role of this variant in disease. Therefore, it has been classified as a Variant of Uncertain Significance. This variant is not present in population databases (ExAC no frequency). This sequence change replaces tyrosine with histidine at codon 1177 of the MET protein (p.Tyr1177His). The tyrosine residue is highly conserved and there is a moderate physicochemical difference between tyrosine and histidine.